The following is an entry in ClinVar:

ClinVar aggregate classification (germline): Uncertain significance. Review status: criteria provided, multiple submitters, no conflicts (2 of 4 stars). 2 submissions from 2 submitters: Uncertain significance (2). Last evaluated 2024-11-20.

Conditions:
Inborn genetic diseases. Identifiers: MedGen C0950123, MeSH D030342.

gnomAD v4.1: 35 of 1,614,186 alleles (0.0022%); highest among the groups gnomAD compares: South Asian, 0.038%; no homozygotes.

Submissions (2):

Ambry Genetics
Classification: Uncertain significance for Inborn genetic diseases. Last evaluated: 2024-11-20. Review status: criteria provided, single submitter. Criteria: Ambry Variant Classification Scheme 2023. Collection method: clinical testing. Allele origin: germline.

Labcorp Genetics (formerly Invitae), Labcorp
Classification: Uncertain significance. Last evaluated: 2024-08-08. Review status: criteria provided, single submitter. Criteria: Invitae Variant Classification Sherloc (09022015). Collection method: clinical testing. Allele origin: germline.
Comment: This sequence change replaces serine, which is neutral and polar, with proline, which is neutral and non-polar, at codon 1630 of the DNAH9 protein (p.Ser1630Pro). This variant is present in population databases (rs752104784, gnomAD 0.03%). This variant has not been reported in the literature in individuals affected with DNAH9-related conditions. Advanced modeling of protein sequence and biophysical properties (such as structural, functional, and spatial information, amino acid conservation, physicochemical variation, residue mobility, and thermodynamic stability) performed at Invitae indicates that this missense variant is not expected to disrupt DNAH9 protein function with a negative predictive value of 80%. In summary, the available evidence is currently insufficient to determine the role of this variant in disease. Therefore, it has been classified as a Variant of Uncertain Significance.

NM_001372.4(DNAH9):c.4888T>C (p.Ser1630Pro)

Genes: DNAH9 (dynein axonemal heavy chain 9; plus strand), LOC126862506 (BRD4-independent group 4 enhancer GRCh37_chr17:11602804-11604003; plus strand). Cytogenetic location: 17p12.
Variant type: single nucleotide variant.
Coding change: c.4888T>C on transcript NM_001372.4 (MANE Select); coding-DNA position 4888, T replaced by C.
Protein change: p.Ser1630Pro; replaces serine 1630 with proline.
Molecular consequence: missense variant.
Genome position (GRCh38, 1-based): chr17:11,699,746, T>C. VCF-style: chr17-11699746-T-C. GRCh37 (hg19) VCF-style: chr17-11603063-T-C.
Other names: short protein forms S1630P.
Identifiers: ClinVar variation 3503783 (VCV003503783.3).
Genomic context (GRCh38, chr17:11,699,746, plus strand): 5'-TCCCGAACATGTTTTATGATCCATTGGCCTGGTTTCCCTTCATAGGTTCAACGTCACCTT[T>C]CCAAACTCTTTGACAACATGGCCAAGATGCGATTCCAGCTAGATGCCAGTGGGGAACCAA-3'
Protein context (NP_001363.2, residues 1620-1640): TAPQQVQRHL[Ser1630Pro]KLFDNMAKMR